The following is an entry in ClinVar:

NM_001003699.4(RREB1):c.4920C>T (p.Ser1640=)

Gene: RREB1 (ras responsive element binding protein 1; plus strand). Cytogenetic location: 6p24.3.
Variant type: single nucleotide variant.
Coding change: c.4920C>T on transcript NM_001003699.4 (MANE Select); coding-DNA position 4920, C replaced by T.
Protein change: p.Ser1640=; no amino-acid change (serine 1640 retained).
Molecular consequence: synonymous variant.
Genome position (GRCh38, 1-based): chr6:7,248,659, C>T. VCF-style: chr6-7248659-C-T. GRCh37 (hg19) VCF-style: chr6-7248892-C-T.
Other names: c.4755C>T, p.Ser1585= (NM_001003698.4, NM_001168344.2); c.4122C>T, p.Ser1374= (NM_001003700.2).
Identifiers: ClinVar variation 728665 (VCV000728665.6), dbSNP rs141429177, ClinGen allele CA3626605.

ClinVar aggregate classification (germline): Likely benign. Review status: criteria provided, single submitter (1 of 4 stars). 2 submissions from 2 submitters: Likely benign (1). 1 of the submissions does not count toward it. Last evaluated 2019-12-31.

Conditions:
RREB1-related disorder. Also called: RREB1-related condition.

Allele frequency attached by ClinVar (database versions not stated): gnomAD exomes 0.00010 and 0.00011; gnomAD 0.00011 and 0.00014; ExAC 0.00012; 1000 Genomes Project 30x 0.00016; 1000 Genomes Project 0.00020; TOPMed 0.00020; ESP Exome Variant Server 0.00038.
gnomAD v4.1: 157 of 1,614,092 alleles (0.0097%); highest among the groups gnomAD compares: African/African-American, 0.035%; no homozygotes.

Submissions (2):

Labcorp Genetics (formerly Invitae), Labcorp
Classification: Likely benign. Last evaluated: 2019-12-31. Review status: criteria provided, single submitter. Criteria: Invitae Variant Classification Sherloc (09022015). Collection method: clinical testing. Allele origin: germline.

PreventionGenetics, part of Exact Sciences
Classification: Likely benign for RREB1-related condition. Last evaluated: 2019-02-22. Review status: no assertion criteria provided. Collection method: clinical testing. Allele origin: germline. Not counted in ClinVar's aggregate classification.
Comment: This variant is classified as likely benign based on ACMG/AMP sequence variant interpretation guidelines (Richards et al. 2015 PMID: 25741868, with internal and published modifications).